The following is an entry in ClinVar:

NM_004104.5(FASN):c.5801G>A (p.Arg1934His)

Gene: FASN (fatty acid synthase; minus strand). Cytogenetic location: 17q25.3.
Variant type: single nucleotide variant.
Coding change: c.5801G>A on transcript NM_004104.5 (MANE Select); coding-DNA position 5801, G replaced by A.
Protein change: p.Arg1934His; replaces arginine 1934 with histidine.
Molecular consequence: missense variant.
Genome position (GRCh38, 1-based): chr17:82,082,645, C>T on the plus strand (G>A on the coding strand, the complement: FASN is on the minus strand). VCF-style: chr17-82082645-C-T. GRCh37 (hg19) VCF-style: chr17-80040521-C-T.
Other names: short protein forms R1934H.
Identifiers: ClinVar variation 462082 (VCV000462082.9), dbSNP rs200897153, ClinGen allele CA8851538.

ClinVar aggregate classification (germline): Uncertain significance (1 of 4 stars; one submission).

Conditions:
Epileptic encephalopathy. Identifiers: MedGen C0543888, HP:0200134.

Allele frequency attached by ClinVar (database versions not stated): gnomAD 0.00003; ExAC 0.00010; gnomAD exomes 0.00011; TOPMed 0.00002.

Submission:

Labcorp Genetics (formerly Invitae), Labcorp
Classification: Uncertain significance for Epileptic encephalopathy. Last evaluated: 2025-12-08. Review status: criteria provided, single submitter. Criteria: Invitae Variant Classification Sherloc (09022015). Collection method: clinical testing. Allele origin: germline.
Comment: This sequence change replaces arginine, which is basic and polar, with histidine, which is basic and polar, at codon 1934 of the FASN protein (p.Arg1934His). This variant is present in population databases (rs200897153, gnomAD 0.06%), and has an allele count higher than expected for a pathogenic variant. This variant has not been reported in the literature in individuals affected with FASN-related conditions. ClinVar contains an entry for this variant (Variation ID: 462082). An algorithm developed to predict the effect of missense changes on protein structure and function outputs the following: PolyPhen-2: "Benign". The histidine amino acid residue is found in multiple mammalian species, which suggests that this missense change does not adversely affect protein function. In summary, the available evidence is currently insufficient to determine the role of this variant in disease. Therefore, it has been classified as a Variant of Uncertain Significance.